The following is an entry in ClinVar:

NM_000551.4(VHL):c.-2G>T

Gene: VHL (von Hippel-Lindau tumor suppressor; plus strand). Cytogenetic location: 3p25.3.
Variant type: single nucleotide variant.
Coding change: c.-2G>T on transcript NM_000551.4 (MANE Select); 2 bases upstream of the start codon, G replaced by T.
Molecular consequence: 5 prime UTR variant. On other transcripts: non-coding transcript variant (1).
Genome position (GRCh38, 1-based): chr3:10,141,846, G>T. VCF-style: chr3-10141846-G-T. GRCh37 (hg19) VCF-style: chr3-10183530-G-T.
Other names: c.-2G>T (NM_001354723.2, NM_198156.3).
Identifiers: ClinVar variation 3232220 (VCV003232220.1), dbSNP rs937566924, ClinGen allele CA70042118.

ClinVar aggregate classification (germline): Uncertain significance (1 of 4 stars; one submission).

Conditions:
Hereditary cancer-predisposing syndrome. Also called: Neoplastic Syndromes, Hereditary; Tumor predisposition; Hereditary neoplastic syndrome; Hereditary Cancer Syndrome. Identifiers: Orphanet 140162, MedGen C0027672, MeSH D009386, MONDO:0015356.

Allele frequency attached by ClinVar (database versions not stated): gnomAD 0.00001; TOPMed 0.00001.
gnomAD v4.1: 3 of 1,535,852 alleles (0.0002%); highest among the groups gnomAD compares: Non-Finnish European, 0.00026%; no homozygotes.

Submission:

Ambry Genetics
Classification: Uncertain significance for Hereditary cancer-predisposing syndrome. Last evaluated: 2023-10-05. Review status: criteria provided, single submitter. Criteria: Ambry Variant Classification Scheme 2023. Collection method: clinical testing. Allele origin: germline.
Comment: The c.-2G>T variant is located in the 5' untranslated region (5&rsquo; UTR) of the VHL gene. This variant results from a G to T substitution 2 bases upstream from the first translated codon. This nucleotide position is poorly conserved in available vertebrate species. Since supporting evidence is limited at this time, the clinical significance of this alteration remains unclear.